The following is an entry in ClinVar:

ClinVar aggregate classification (germline): Uncertain significance. Review status: criteria provided, multiple submitters, no conflicts (2 of 4 stars). 2 submissions from 2 submitters: Uncertain significance (2). Last evaluated 2025-01-14.

Conditions:
Fanconi anemia complementation group O. Also called: RAD51C-Related Fanconi Anemia. Identifiers: Orphanet 84, MedGen C3150653, MONDO:0013248, OMIM 613390.
Hereditary cancer-predisposing syndrome. Also called: Tumor predisposition; Neoplastic Syndromes, Hereditary; Hereditary Cancer Syndrome; Hereditary neoplastic syndrome. Identifiers: Orphanet 140162, MedGen C0027672, MeSH D009386, MONDO:0015356.

Submissions (2):

Ambry Genetics
Classification: Uncertain significance for Hereditary cancer-predisposing syndrome. Last evaluated: 2025-01-14. Review status: criteria provided, single submitter. Criteria: Ambry Variant Classification Scheme 2023. Collection method: clinical testing. Allele origin: germline.
Comment: The p.S256C variant (also known as c.767C>G), located in coding exon 5 of the RAD51C gene, results from a C to G substitution at nucleotide position 767. The serine at codon 256 is replaced by cysteine, an amino acid with dissimilar properties. This amino acid position is conserved. In addition, this alteration is predicted to be tolerated by in silico analysis. Based on the available evidence, the clinical significance of this variant remains unclear.

Labcorp Genetics (formerly Invitae), Labcorp
Classification: Uncertain significance for Fanconi anemia complementation group O. Last evaluated: 2022-09-19. Review status: criteria provided, single submitter. Criteria: Invitae Variant Classification Sherloc (09022015). Collection method: clinical testing. Allele origin: germline.
Comment: ClinVar contains an entry for this variant (Variation ID: 1061903). Advanced modeling of protein sequence and biophysical properties (such as structural, functional, and spatial information, amino acid conservation, physicochemical variation, residue mobility, and thermodynamic stability) performed at Invitae indicates that this missense variant is expected to disrupt RAD51C protein function. In summary, the available evidence is currently insufficient to determine the role of this variant in disease. Therefore, it has been classified as a Variant of Uncertain Significance. This variant has not been reported in the literature in individuals affected with RAD51C-related conditions. This sequence change replaces serine, which is neutral and polar, with cysteine, which is neutral and slightly polar, at codon 256 of the RAD51C protein (p.Ser256Cys). This variant is not present in population databases (gnomAD no frequency).

NM_058216.3(RAD51C):c.767C>G (p.Ser256Cys)

Gene: RAD51C (RAD51 paralog C; plus strand). Cytogenetic location: 17q22.
Variant type: single nucleotide variant.
Coding change: c.767C>G on transcript NM_058216.3 (MANE Select); coding-DNA position 767, C replaced by G.
Protein change: p.Ser256Cys; replaces serine 256 with cysteine.
Molecular consequence: missense variant. On other transcripts: non-coding transcript variant (1).
Genome position (GRCh38, 1-based): chr17:58,709,920, C>G. VCF-style: chr17-58709920-C-G. GRCh37 (hg19) VCF-style: chr17-56787281-C-G.
Other names: c.767C>G (NM_058216.1); short protein forms S256C.
Identifiers: ClinVar variation 1061903 (VCV001061903.10), dbSNP rs2143852373, ClinGen allele CA400353777.